The following is an entry in ClinVar:

ClinVar aggregate classification (germline): Uncertain significance. Review status: criteria provided, multiple submitters, no conflicts (2 of 4 stars). 2 submissions from 2 submitters: Uncertain significance (2). Last evaluated 2022-04-01.

Conditions:
Baller-Gerold syndrome (BGS). Also called: CRANIOSYNOSTOSIS WITH RADIAL DEFECTS. Identifiers: Orphanet 1225, MedGen C0265308, MONDO:0009039, OMIM 218600.
Inborn genetic diseases. Identifiers: MedGen C0950123, MeSH D030342.

Submissions (2):

Labcorp Genetics (formerly Invitae), Labcorp
Classification: Uncertain significance for Baller-Gerold syndrome. Last evaluated: 2022-04-01. Review status: criteria provided, single submitter. Criteria: Invitae Variant Classification Sherloc (09022015). Collection method: clinical testing. Allele origin: germline.
Comment: This sequence change replaces phenylalanine, which is neutral and non-polar, with leucine, which is neutral and non-polar, at codon 987 of the RECQL4 protein (p.Phe987Leu). This variant is not present in population databases (gnomAD no frequency). This variant has not been reported in the literature in individuals affected with RECQL4-related conditions. Experimental studies and prediction algorithms are not available or were not evaluated, and the functional significance of this variant is currently unknown. In summary, the available evidence is currently insufficient to determine the role of this variant in disease. Therefore, it has been classified as a Variant of Uncertain Significance.

Ambry Genetics
Classification: Uncertain significance for Inborn genetic diseases. Last evaluated: 2021-12-21. Review status: criteria provided, single submitter. Criteria: Ambry Variant Classification Scheme 2023. Collection method: clinical testing. Allele origin: germline.

NM_004260.4(RECQL4):c.2961T>A (p.Phe987Leu)

Gene: RECQL4 (RecQ like helicase 4; minus strand). Cytogenetic location: 8q24.3.
Variant type: single nucleotide variant.
Coding change: c.2961T>A on transcript NM_004260.4 (MANE Select); coding-DNA position 2961, T replaced by A.
Protein change: p.Phe987Leu; replaces phenylalanine 987 with leucine.
Molecular consequence: missense variant.
Genome position (GRCh38, 1-based): chr8:144,512,486, A>T on the plus strand (T>A on the coding strand, the complement: RECQL4 is on the minus strand). VCF-style: chr8-144512486-A-T. GRCh37 (hg19) VCF-style: chr8-145737869-A-T.
Other names: c.2961T>A (NM_004260.3); short protein forms F987L.
Identifiers: ClinVar variation 1399899 (VCV001399899.9), dbSNP rs1060501363, ClinGen allele CA372673141.
Genomic context (GRCh38, chr8:144,512,486, plus strand): 5'-GAGAGCCCGCCGCACAGAGGCCAGCTCCCAGCCCATGGAGTCCACCAGCTTGACCATGTC[A>T]AACTCCACGGAGCTGCTGCCTTGCCCTGGGTCCTCAGGCAGCTGCTGGGCCAAGCACACA-3'
Protein context (NP_004251.4, residues 977-997): DPGQGSSSVE[Phe987Leu]DMVKLVDSMG